The following is an entry in ClinVar:

NM_014989.7(RIMS1):c.3974A>G (p.His1325Arg)

Gene: RIMS1 (regulating synaptic membrane exocytosis 1; plus strand). Cytogenetic location: 6q13.
Variant type: single nucleotide variant.
Coding change: c.3974A>G on transcript NM_014989.7 (MANE Select); coding-DNA position 3974, A replaced by G.
Protein change: p.His1325Arg; replaces histidine 1325 with arginine.
Molecular consequence: missense variant. On other transcripts: intron variant (24).
Genome position (GRCh38, 1-based): chr6:72,313,516, A>G. VCF-style: chr6-72313516-A-G. GRCh37 (hg19) VCF-style: chr6-73023219-A-G.
Other names: c.1934A>G, p.His645Arg (NM_001168407.2); c.1895A>G, p.His632Arg (NM_001350414.2); c.2018A>G, p.His673Arg (NM_001350415.2); c.1967A>G, p.His656Arg (NM_001350416.2); c.1940A>G, p.His647Arg (NM_001350418.2); c.2048A>G, p.His683Arg (NM_001350420.2); c.1793A>G, p.His598Arg (NM_001350421.2); c.1709A>G, p.His570Arg (NM_001350423.2, NM_001350444.2); and 51 more; short protein forms H1325R, H540R, H541R, H564R, H570R, H571R, H599R, H605R.
Identifiers: ClinVar variation 1903166 (VCV001903166.5), dbSNP rs757191103, ClinGen allele CA3886416.

ClinVar aggregate classification (germline): Uncertain significance (1 of 4 stars; one submission).

Allele frequency attached by ClinVar (database versions not stated): ExAC 0.00001; gnomAD 0.00001; gnomAD exomes 0.00001; TOPMed 0.00001.
gnomAD v4.1: 8 of 1,613,094 alleles (0.0005%); highest among the groups gnomAD compares: East Asian, 0.0067%; no homozygotes.

Submission:

Labcorp Genetics (formerly Invitae), Labcorp
Classification: Uncertain significance. Last evaluated: 2022-08-25. Review status: criteria provided, single submitter. Criteria: Invitae Variant Classification Sherloc (09022015). Collection method: clinical testing. Allele origin: germline.
Comment: In summary, the available evidence is currently insufficient to determine the role of this variant in disease. Therefore, it has been classified as a Variant of Uncertain Significance. Algorithms developed to predict the effect of missense changes on protein structure and function are either unavailable or do not agree on the potential impact of this missense change (SIFT: "Deleterious"; PolyPhen-2: "Benign"; Align-GVGD: "Class C0"). This variant has not been reported in the literature in individuals affected with RIMS1-related conditions. This variant is present in population databases (rs757191103, gnomAD 0.008%). This sequence change replaces histidine, which is basic and polar, with arginine, which is basic and polar, at codon 1325 of the RIMS1 protein (p.His1325Arg).